The following is an entry in ClinVar:

ClinVar aggregate classification (germline): Pathogenic (1 of 4 stars; one submission).

Submission:

Labcorp Genetics (formerly Invitae), Labcorp
Classification: Pathogenic. Last evaluated: 2024-06-03. Review status: criteria provided, single submitter. Criteria: Invitae Variant Classification Sherloc (09022015). Collection method: clinical testing. Allele origin: germline.
Comment: This sequence change creates a premature translational stop signal (p.His324Glnfs*5) in the FAN1 gene. It is expected to result in an absent or disrupted protein product. Loss-of-function variants in FAN1 are known to be pathogenic (PMID: 22772369). This variant is not present in population databases (gnomAD no frequency). This variant has not been reported in the literature in individuals affected with FAN1-related conditions. For these reasons, this variant has been classified as Pathogenic.

Literature cited by the submitters: PubMed 22772369.

NM_014967.5(FAN1):c.972_973del (p.His324fs)

Gene: FAN1 (FANCD2 and FANCI associated nuclease 1; plus strand). Cytogenetic location: 15q13.3.
Variant type: Deletion.
Coding change: c.972_973del on transcript NM_014967.5 (MANE Select); coding-DNA positions 972 to 973, 2 bases deleted (TA; older notation c.972_973delTA).
Protein change: p.His324fs; shifts the reading frame from histidine 324.
Molecular consequence: frameshift variant.
Genome position (GRCh38, 1-based): chr15:30,905,635-30,905,636, TA deleted; deleting any 2 consecutive bases within chr15:30,905,634-30,905,636 gives the same sequence; the c. name uses the placement nearest the transcript's 3' end. VCF-style (leftmost placement, unchanged base first): chr15-30905633-CAT-C. GRCh37 (hg19) VCF-style: chr15-31197836-CAT-C.
Other names: c.972_973del, p.His324fs (NM_001146094.2, NM_001146095.1, NM_001146096.2); short protein forms H324fs.
Identifiers: ClinVar variation 2706852 (VCV002706852.3), dbSNP rs2061959730, ClinGen allele CA968272030.